The following is an entry in ClinVar:

NM_002471.4(MYH6):c.2722G>C (p.Asp908His)

Gene: MYH6 (myosin heavy chain 6; minus strand). Cytogenetic location: 14q11.2.
Variant type: single nucleotide variant.
Coding change: c.2722G>C on transcript NM_002471.4 (MANE Select); coding-DNA position 2722, G replaced by C.
Protein change: p.Asp908His; replaces aspartic acid 908 with histidine.
Molecular consequence: missense variant.
Genome position (GRCh38, 1-based): chr14:23,393,872, C>G on the plus strand (G>C on the coding strand, the complement: MYH6 is on the minus strand). VCF-style: chr14-23393872-C-G. GRCh37 (hg19) VCF-style: chr14-23863081-C-G.
Other names: short protein forms D908H.
Identifiers: ClinVar variation 2151307 (VCV002151307.4), dbSNP rs758061689, ClinGen allele CA389013234.
Genomic context (GRCh38, chr14:23,393,872, plus strand): 5'-GCCTCTCATTCATCTCCTTTACTTTGGCCTCCAGCTGAATCTTGTTTTTGATCAGCTGGT[C>G]GCAGCGCTCCTCAGCATCATTGAGGTTGTCTTGTTCCTGGGAGAAGAGAACAGGGAGGAA-3'
Protein context (NP_002462.2, residues 898-918): DNLNDAEERC[Asp908His]QLIKNKIQLE

ClinVar aggregate classification (germline): Uncertain significance (1 of 4 stars; one submission).

Conditions:
Hypertrophic cardiomyopathy 14. Identifiers: MedGen C2750467, MONDO:0013197, OMIM 613251.

gnomAD v4.1: 1 of 1,614,038 alleles (0.000062%); highest among the groups gnomAD compares: Admixed American, 0.0017%; no homozygotes.

Submission:

Labcorp Genetics (formerly Invitae), Labcorp
Classification: Uncertain significance for Hypertrophic cardiomyopathy 14. Last evaluated: 2022-02-15. Review status: criteria provided, single submitter. Criteria: Invitae Variant Classification Sherloc (09022015). Collection method: clinical testing. Allele origin: germline.
Comment: This variant has not been reported in the literature in individuals affected with MYH6-related conditions. This variant is not present in population databases (gnomAD no frequency). This sequence change replaces aspartic acid, which is acidic and polar, with histidine, which is basic and polar, at codon 908 of the MYH6 protein (p.Asp908His). Algorithms developed to predict the effect of missense changes on protein structure and function are either unavailable or do not agree on the potential impact of this missense change (SIFT: "Deleterious"; PolyPhen-2: "Possibly Damaging"; Align-GVGD: "Class C0"). In summary, the available evidence is currently insufficient to determine the role of this variant in disease. Therefore, it has been classified as a Variant of Uncertain Significance.